The following is an entry in ClinVar:

NM_201596.3(CACNB2):c.*622_*625dup

Gene: CACNB2 (calcium voltage-gated channel auxiliary subunit beta 2; plus strand). Cytogenetic location: 10p12.31.
Variant type: Duplication.
Coding change: c.*622_*625dup on transcript NM_201596.3 (MANE Select); 622 bases downstream of the stop codon through 625 bases downstream of the stop codon, 4 bases duplicated (ATCA; older notation c.*622_*625dupATCA).
Molecular consequence: 3 prime UTR variant.
Genome position (GRCh38, 1-based): chr10:18,540,346-18,540,349, ATCA duplicated. VCF-style (leftmost placement, unchanged base first): chr10-18540345-T-TATCA. GRCh37 (hg19) VCF-style: chr10-18829274-T-TATCA.
Other names: c.*622_*625dup (NM_000724.4, NM_001167945.2, NM_001330060.2 and 7 more transcripts).
Identifiers: ClinVar variation 2640341 (VCV002640341.23), dbSNP rs1554843690, ClinGen allele CA203168111.

ClinVar aggregate classification (germline): Likely benign (1 of 4 stars; one submission).

Allele frequency attached by ClinVar (database versions not stated): 1000 Genomes Project 30x 0.00265; gnomAD 0.00650; gnomAD exomes 0.03521.

Submission:

CeGaT Center for Human Genetics Tuebingen
Classification: Likely benign. Last evaluated: 2023-05-01. Review status: criteria provided, single submitter. Criteria: CeGaT Center For Human Genetics Tuebingen Variant Classification Criteria Version 2. Collection method: clinical testing. Allele origin: germline. Affected: yes. Observed: 2 variant alleles.
Comment: ENSG00000240291: BS2